The following is an entry in ClinVar:

NM_001009944.3(PKD1):c.1458dup (p.Phe487fs)

Gene: PKD1 (polycystin 1, transient receptor potential channel interacting; minus strand). Cytogenetic location: 16p13.3.
Variant type: Duplication.
Coding change: c.1458dup on transcript NM_001009944.3 (MANE Select); coding-DNA position 1458, one base duplicated (C; older notation c.1458dupC).
Protein change: p.Phe487fs; shifts the reading frame from phenylalanine 487.
Molecular consequence: frameshift variant.
Genome position (GRCh38, 1-based): chr16:2,116,981, G duplicated on the plus strand (C on the coding strand, the reverse complement: PKD1 is on the minus strand); the first of 2 consecutive G bases (chr16:2,116,981-2,116,982); duplicating either gives the same sequence. VCF-style (leftmost placement, unchanged base first): chr16-2116980-A-AG. GRCh37 (hg19) VCF-style: chr16-2166981-A-AG.
Other names: c.1458dup, p.Phe487fs (NM_000296.4); short protein forms F487fs.
Identifiers: ClinVar variation 3900713 (VCV003900713.1).

ClinVar aggregate classification (germline): Pathogenic (1 of 4 stars; one submission).

Conditions:
Polycystic kidney disease, adult type (PKD1). Also called: Polycystic Kidney Disease 1, Autosomal Dominant; Polycystic kidney disease 1; Polycystic kidney disease 1, severe; Polycystic Kidney, Autosomal Dominant; POLYCYSTIC KIDNEY DISEASE 1 WITH OR WITHOUT POLYCYSTIC LIVER DISEASE; POLYCYSTIC KIDNEY DISEASE, ADULT, TYPE I. Identifiers: MedGen C3149841, MONDO:0008263, OMIM 173900.

Submission:

MVZ Medizinische Genetik Mainz
Classification: Pathogenic for Polycystic kidney disease, adult type. Last evaluated: 2025-04-30. Review status: criteria provided, single submitter. Criteria: UK Practice Guidelines For Variant Classification V4 01 2020. Collection method: clinical testing. Allele origin: germline. Inheritance: Autosomal dominant inheritance. Affected: yes. Observed: 1 variant allele.
Comment: ACMG Criteria: PVS1,PM2_SUP,PP4